The following is an entry in ClinVar:

ClinVar aggregate classification (germline): Uncertain significance (1 of 4 stars; one submission).

Conditions:
Inborn genetic diseases. Identifiers: MedGen C0950123, MeSH D030342.

Allele frequency attached by ClinVar (database versions not stated): TOPMed below 0.00001; ExAC 0.00001.
gnomAD v4.1: 1 of 1,613,626 alleles (0.000062%); no homozygotes.

Submission:

Ambry Genetics
Classification: Uncertain significance for Inborn genetic diseases. Last evaluated: 2024-04-10. Review status: criteria provided, single submitter. Criteria: Ambry Variant Classification Scheme 2023. Collection method: clinical testing. Allele origin: germline.
Comment: The p.G831A variant (also known as c.2492G>C), located in coding exon 19 of the BUB1B gene, results from a G to C substitution at nucleotide position 2492. The glycine at codon 831 is replaced by alanine, an amino acid with similar properties. This amino acid position is conserved. In addition, the in silico prediction for this alteration is inconclusive. Since supporting evidence is limited at this time, the clinical significance of this alteration remains unclear.

NM_001211.6(BUB1B):c.2492G>C (p.Gly831Ala)

Gene: BUB1B (BUB1 mitotic checkpoint serine/threonine kinase B; plus strand). Cytogenetic location: 15q15.1.
Variant type: single nucleotide variant.
Coding change: c.2492G>C on transcript NM_001211.6 (MANE Select); coding-DNA position 2492, G replaced by C.
Protein change: p.Gly831Ala; replaces glycine 831 with alanine.
Molecular consequence: missense variant.
Genome position (GRCh38, 1-based): chr15:40,212,605, G>C. VCF-style: chr15-40212605-G-C. GRCh37 (hg19) VCF-style: chr15-40504806-G-C.
Other names: short protein forms G831A.
Identifiers: ClinVar variation 1792090 (VCV001792090.3), dbSNP rs775770578, ClinGen allele CA7476055.